The following is an entry in ClinVar:

NM_005327.7(HADH):c.854del (p.Pro285fs)

Gene: HADH (hydroxyacyl-CoA dehydrogenase; plus strand). Cytogenetic location: 4q25.
Variant type: Deletion.
Coding change: c.854del on transcript NM_005327.7 (MANE Select); coding-DNA position 854, one base deleted (C; older notation c.854delC).
Protein change: p.Pro285fs; shifts the reading frame from proline 285.
Molecular consequence: frameshift variant.
Genome position (GRCh38, 1-based): chr4:108,034,266, C deleted; the last of 3 consecutive C bases (chr4:108,034,264-108,034,266); deleting any one gives the same sequence. VCF-style (leftmost placement, unchanged base first): chr4-108034263-AC-A. GRCh37 (hg19) VCF-style: chr4-108955419-AC-A.
Other names: c.905del, p.Pro302fs (NM_001184705.4); c.866del, p.Pro289fs (NM_001331027.2); short protein forms P302fs, P285fs, P289fs.
Identifiers: ClinVar variation 3678133 (VCV003678133.2).
Genomic context (GRCh38, chr4:108,034,263, plus strand): 5'-CACTTCATCCTGAGTTCTCTTCCCTCCGCTCAATAGGGTGGCATGAAATGGATGCAGAGA[AC>A]CCATTACATCAGCCCAGCCCATCCTTAAATAAGCTGGTAGCAGAGAACAAGTTCGGCAAG-3'

ClinVar aggregate classification (germline): Pathogenic (1 of 4 stars; one submission).

Conditions:
Deficiency of 3-hydroxyacyl-CoA dehydrogenase. Also called: HADH DEFICIENCY; 3-hydroxyacyl-CoA dehydrogenase deficiency. Identifiers: Orphanet 309127, Orphanet 71212, MedGen C1291230, MONDO:0017715, OMIM 231530.

Submission:

Labcorp Genetics (formerly Invitae), Labcorp
Classification: Pathogenic for Deficiency of 3-hydroxyacyl-CoA dehydrogenase. Last evaluated: 2025-01-15. Review status: criteria provided, single submitter. Criteria: Invitae Variant Classification Sherloc (09022015). Collection method: clinical testing. Allele origin: germline.
Comment: This sequence change creates a premature translational stop signal (p.Pro285Hisfs*9) in the HADH gene. While this is not anticipated to result in nonsense mediated decay, it is expected to disrupt the last 30 amino acid(s) of the HADH protein. This variant is not present in population databases (gnomAD no frequency). This variant has not been reported in the literature in individuals affected with HADH-related conditions. Algorithms developed to predict the effect of sequence changes on RNA splicing suggest that this variant may disrupt the consensus splice site. This variant disrupts a region of the HADH protein in which other variant(s) (p.Gly303Ser) have been determined to be pathogenic (PMID: 22579592, 32876354; internal data). This suggests that this is a clinically significant region of the protein, and that variants that disrupt it are likely to be disease-causing. For these reasons, this variant has been classified as Pathogenic.

Literature cited by the submitters: PubMed 22579592; PubMed 32876354.